The following is an entry in ClinVar:

ClinVar aggregate classification (germline): Pathogenic (0 of 4 stars; one submission).

Conditions:
Breast-ovarian cancer, familial, susceptibility to, 2 (BROVCA2). Also called: BRCA2 Hereditary Breast and Ovarian Cancer. Identifiers: Orphanet 145, MedGen C2675520, MONDO:0012933, OMIM 612555. Disease mechanism: loss of function.
Hereditary breast ovarian cancer syndrome. Also called: Hereditary breast and ovarian cancer syndrome; BRCA1- and BRCA2-Associated Hereditary Breast and Ovarian Cancer; Hereditary breast and/or ovarian cancer syndrome; Breast and ovarian cancer; Hereditary breast and ovarian cancer; Hereditary breast and ovarian cancer syndrome (HBOC). Identifiers: Orphanet 145, MedGen C0677776, MeSH D061325, MONDO:0003582. Disease mechanism: loss of function.

Submission:

King Laboratory, University of Washington
Classification: Pathogenic for Hereditary breast and ovarian cancer syndrome; Breast-ovarian cancer, familial 2. Last evaluated: 2019-09-01. Review status: no assertion criteria provided. Collection method: research. Allele origin: germline. Affected: yes.
Comment: Transcript analysis by cBROCA

Literature cited by the submitters: PubMed 31843900.

GRCh38/hg38 13q13.1(chr13:32353598-32384308)

Genes: BRCA2 (BRCA2 DNA repair associated; plus strand), LOC112163653 (Sharpr-MPRA regulatory region 1962; plus strand). Cytogenetic location: 13q13.1.
Variant type: copy number gain.
Identifiers: ClinVar variation 873425 (VCV000873425.3).